The following is an entry in ClinVar:

ClinVar aggregate classification (germline): Likely benign (1 of 4 stars; one submission).

gnomAD v4.1: 4 of 1,610,096 alleles (0.00025%); highest among the groups gnomAD compares: Admixed American, 0.0033%; no homozygotes.

Submission:

CeGaT Center for Human Genetics Tuebingen
Classification: Likely benign. Last evaluated: 2026-07-01. Review status: criteria provided, single submitter. Criteria: CeGaT Center For Human Genetics Tuebingen Variant Classification Criteria Version 2. Collection method: clinical testing. Allele origin: germline. Affected: yes. Observed: 1 variant allele.
Comment: CPE: BP4, BP7

NM_001873.4(CPE):c.204G>T (p.Leu68=)

Gene: CPE (carboxypeptidase E; plus strand). Cytogenetic location: 4q32.3.
Variant type: single nucleotide variant.
Coding change: c.204G>T on transcript NM_001873.4 (MANE Select); coding-DNA position 204, G replaced by T.
Protein change: p.Leu68=; no amino-acid change (leucine 68 retained).
Molecular consequence: synonymous variant.
Genome position (GRCh38, 1-based): chr4:165,379,425, G>T. VCF-style: chr4-165379425-G-T. GRCh37 (hg19) VCF-style: chr4-166300577-G-T.
Identifiers: ClinVar variation 5040058 (VCV005040058.1).